The following is an entry in ClinVar:

NM_001007527.2(LMBRD2):c.1866G>A (p.Glu622=)

Gene: LMBRD2 (LMBR1 domain containing 2; minus strand). Cytogenetic location: 5p13.2.
Variant type: single nucleotide variant.
Coding change: c.1866G>A on transcript NM_001007527.2 (MANE Select); coding-DNA position 1866, G replaced by A.
Protein change: p.Glu622=; no amino-acid change (glutamic acid 622 retained).
Molecular consequence: synonymous variant.
Genome position (GRCh38, 1-based): chr5:36,108,565, C>T on the plus strand (G>A on the coding strand, the complement: LMBRD2 is on the minus strand). VCF-style: chr5-36108565-C-T. GRCh37 (hg19) VCF-style: chr5-36108667-C-T.
Identifiers: ClinVar variation 5039332 (VCV005039332.1).
Genomic context (GRCh38, chr5:36,108,565, plus strand): 5'-CCAAGTGAACTAGAAGATAAACTACTTACAACGGTTGGTATTAACATCTGAGAAGTTTGA[C>T]TCTTTGGGGTCAGTATGAATATTTCTGTTCCTAGTGGAATCTTCTCTATTGTGTCCATAA-3'
Protein context (NP_001007528.1, residues 612-632): RNRNIHTDPK[Glu622=]SNFSDVNTNR

ClinVar aggregate classification (germline): Likely benign (1 of 4 stars; one submission).

gnomAD v4.1: 1 of 1,591,812 alleles (0.000063%); highest among the groups gnomAD compares: Non-Finnish European, 0.000086%; no homozygotes.

Submission:

CeGaT Center for Human Genetics Tuebingen
Classification: Likely benign. Last evaluated: 2026-07-01. Review status: criteria provided, single submitter. Criteria: CeGaT Center For Human Genetics Tuebingen Variant Classification Criteria Version 2. Collection method: clinical testing. Allele origin: germline. Affected: yes. Observed: 1 variant allele.
Comment: LMBRD2: BP4, BP7